The following is an entry in ClinVar:

NM_015662.3(IFT172):c.2953G>A (p.Gly985Ser)

Gene: IFT172 (intraflagellar transport 172; minus strand). Cytogenetic location: 2p23.3.
Variant type: single nucleotide variant.
Coding change: c.2953G>A on transcript NM_015662.3 (MANE Select); coding-DNA position 2953, G replaced by A.
Protein change: p.Gly985Ser; replaces glycine 985 with serine.
Molecular consequence: missense variant.
Genome position (GRCh38, 1-based): chr2:27,458,148, C>T on the plus strand (G>A on the coding strand, the complement: IFT172 is on the minus strand). VCF-style: chr2-27458148-C-T. GRCh37 (hg19) VCF-style: chr2-27681015-C-T.
Other names: c.2953G>A (NM_015662.1); short protein forms G985S.
Identifiers: ClinVar variation 933834 (VCV000933834.18), dbSNP rs369780709, ClinGen allele CA1580135.

ClinVar aggregate classification (germline): Uncertain significance. Review status: criteria provided, multiple submitters, no conflicts (2 of 4 stars). 9 submissions from 9 submitters: Uncertain significance (8). 1 of the submissions does not count toward it. Last evaluated 2026-02-27.

Conditions:
Inborn genetic diseases. Identifiers: MedGen C0950123, MeSH D030342.
Retinal dystrophy. Also called: Inherited retinal dystrophy. Identifiers: Orphanet 71862, MedGen C0854723, MeSH D058499, MONDO:0019118, HP:0000556.
Short-rib thoracic dysplasia 10 with or without polydactyly (SRTD10). Identifiers: Orphanet 474, MedGen C3810175, MONDO:0014284, OMIM 615630.
Bardet-Biedl syndrome 20. Identifiers: MedGen C4310707, MONDO:0023670, OMIM 619471, MONDO:0014926.
Retinitis pigmentosa 71 (RP71). Identifiers: Orphanet 791, MedGen C4225342, MONDO:0014618, OMIM 616394.
IFT172-related disorder. Also called: IFT172-related disorders; IFT172-related condition.

Allele frequency attached by ClinVar (database versions not stated): ExAC 0.00008; ESP Exome Variant Server 0.00008; TOPMed 0.00008; gnomAD exomes 0.00009 and 0.00011; gnomAD 0.00011.
gnomAD v4.1: 153 of 1,614,170 alleles (0.0095%); highest among the groups gnomAD compares: Non-Finnish European, 0.012%; no homozygotes.

Submissions (9):

PreventionGenetics, part of Exact Sciences
Classification: Uncertain significance for IFT172-related condition. Last evaluated: 2026-02-27. Review status: criteria provided, single submitter. Criteria: ACMG Guidelines, 2015. Collection method: clinical testing. Allele origin: germline.
Comment: The IFT172 c.2953G>A variant is predicted to result in the amino acid substitution p.Gly985Ser. To our knowledge, this variant has not been reported in the literature. This variant is reported in 0.022% of alleles in individuals of European (Non-Finnish) descent in gnomAD. At this time, the clinical significance of this variant is uncertain due to the absence of conclusive functional and genetic evidence.

Labcorp Genetics (formerly Invitae), Labcorp
Classification: Uncertain significance for Retinitis pigmentosa 71; Short-rib thoracic dysplasia 10 with or without polydactyly. Last evaluated: 2026-01-22. Review status: criteria provided, single submitter. Criteria: Invitae Variant Classification Sherloc (09022015). Collection method: clinical testing. Allele origin: germline.
Comment: This sequence change replaces glycine, which is neutral and non-polar, with serine, which is neutral and polar, at codon 985 of the IFT172 protein (p.Gly985Ser). This variant is present in population databases (rs369780709, gnomAD 0.02%). This variant has not been reported in the literature in individuals affected with IFT172-related conditions. ClinVar contains an entry for this variant (Variation ID: 933834). Invitae Evidence Modeling of protein sequence and biophysical properties (such as structural, functional, and spatial information, amino acid conservation, physicochemical variation, residue mobility, and thermodynamic stability) has been performed for this missense variant. However, the output from this modeling did not meet the statistical confidence thresholds required to predict the impact of this variant on IFT172 protein function. In summary, the available evidence is currently insufficient to determine the role of this variant in disease. Therefore, it has been classified as a Variant of Uncertain Significance.

Blueprint Genetics
Classification: Uncertain significance. Last evaluated: 2024-11-26. Review status: criteria provided, single submitter. Criteria: ACMG Guidelines, 2015. Collection method: clinical testing. Allele origin: germline.

GeneDx
Classification: Uncertain significance. Last evaluated: 2024-01-16. Review status: criteria provided, single submitter. Criteria: GeneDx Variant Classification Process June 2021. Collection method: clinical testing. Allele origin: germline. Affected: yes.
Comment: In silico analysis supports that this missense variant has a deleterious effect on protein structure/function; Has not been previously published as pathogenic or benign to our knowledge

Ambry Genetics
Classification: Uncertain significance for Inborn genetic diseases. Last evaluated: 2023-02-01. Review status: criteria provided, single submitter. Criteria: Ambry Variant Classification Scheme 2023. Collection method: clinical testing. Allele origin: germline.

Genetic Services Laboratory, University of Chicago
Classification: Uncertain significance. Last evaluated: 2023-01-18. Review status: criteria provided, single submitter. Criteria: ACMG Guidelines, 2015. Collection method: clinical testing. Allele origin: germline. Affected: no.
Comment: DNA sequence analysis of the IFT172 gene demonstrated a sequence change, c.2953G>A, in exon 27 that results in an amino acid change, p.Gly985Ser. This sequence change has been described in the gnomAD database with a frequency of 0.022% in the non-Finnish European subpopulation (dbSNP rs369780709). The p.Gly985Ser change affects a highly conserved amino acid residue located in a domain of the IFT172 protein that is not known to be functional. In-silico pathogenicity prediction tools (SIFT, PolyPhen2, Align GVGD, REVEL) provide contradictory results for the p.Gly985Ser substitution. This sequence change does not appear to have been previously described in individuals with IFT172-related disorders. Due to insufficient evidence and the lack of functional studies, the clinical significance of the p.Gly985Ser change remains unknown at this time.

Fulgent Genetics
Classification: Uncertain significance for Short-rib thoracic dysplasia 10 with or without polydactyly; Retinitis pigmentosa 71; Bardet-Biedl syndrome 20. Last evaluated: 2021-12-17. Review status: criteria provided, single submitter. Criteria: ACMG Guidelines, 2015. Collection method: clinical testing. Allele origin: unknown.

Breakthrough Genomics
Classification: Uncertain significance. Review status: criteria provided, single submitter. Criteria: ACMG Guidelines, 2015. Collection method: not provided. Allele origin: germline. Inheritance: Autosomal recessive inheritance. Affected: yes.

Institute of Human Genetics, Univ. Regensburg, Univ. Regensburg
Classification: Uncertain significance for Retinal dystrophy. Last evaluated: 2018-01-01. Review status: no assertion criteria provided. Criteria: ACMG Guidelines, 2015. Collection method: clinical testing. Allele origin: germline. Affected: yes. Not counted in ClinVar's aggregate classification.